The following is an entry in ClinVar:

NM_003242.6(TGFBR2):c.1476G>A (p.Leu492=)

Gene: TGFBR2 (transforming growth factor beta receptor 2; plus strand). Cytogenetic location: 3p24.1.
Variant type: single nucleotide variant.
Coding change: c.1476G>A on transcript NM_003242.6 (MANE Select); coding-DNA position 1476, G replaced by A.
Protein change: p.Leu492=; no amino-acid change (leucine 492 retained).
Molecular consequence: synonymous variant.
Genome position (GRCh38, 1-based): chr3:30,688,463, G>A. VCF-style: chr3-30688463-G-A. GRCh37 (hg19) VCF-style: chr3-30729955-G-A.
Other names: c.1551G>A, p.Leu517= (NM_001024847.3); c.1659G>A, p.Leu553= (NM_001407126.1); c.1584G>A, p.Leu528= (NM_001407127.1); c.1503G>A, p.Leu501= (NM_001407128.1); c.1479G>A, p.Leu493= (NM_001407129.1); c.1473G>A, p.Leu491= (NM_001407130.1); c.1371G>A, p.Leu457= (NM_001407132.1, NM_001407133.1, NM_001407134.1 and 2 more transcripts); c.1191G>A, p.Leu397= (NM_001407137.1); and 3 more.
Identifiers: ClinVar variation 1578664 (VCV001578664.12), dbSNP rs1006428695, ClinGen allele CA71543715.

ClinVar aggregate classification (germline): Likely benign. Review status: criteria provided, multiple submitters, no conflicts (2 of 4 stars). 3 submissions from 3 submitters: Likely benign (3). Last evaluated 2025-11-16.

Conditions:
Loeys-Dietz syndrome 2 (LDS2). Also called: Marfan syndrome, type 2 (formerly); AORTIC ANEURYSM, FAMILIAL THORACIC 3; MARFAN SYNDROME, TYPE II; Marfan Syndrome type 2; Marfan like connective tissue disorder; MFS 2. Identifiers: Orphanet 284973, Orphanet 558, MedGen C2674574, MONDO:0012427, OMIM 610168.
Familial thoracic aortic aneurysm and aortic dissection (TAAD). Also called: Thoracic aortic aneurysms and dissections. Identifiers: Orphanet 91387, MedGen C4707243, MONDO:0019625.

Allele frequency attached by ClinVar (database versions not stated): gnomAD 0.00002; TOPMed 0.00005.
gnomAD v4.1: 3 of 1,614,114 alleles (0.00019%); highest among the groups gnomAD compares: Admixed American, 0.005%; no homozygotes.

Submissions (3):

Labcorp Genetics (formerly Invitae), Labcorp
Classification: Likely benign for Familial thoracic aortic aneurysm and aortic dissection. Last evaluated: 2025-11-16. Review status: criteria provided, single submitter. Criteria: Invitae Variant Classification Sherloc (09022015). Collection method: clinical testing. Allele origin: germline.

Ambry Genetics
Classification: Likely benign for Familial thoracic aortic aneurysm and aortic dissection. Last evaluated: 2025-07-09. Review status: criteria provided, single submitter. Criteria: Ambry Variant Classification Scheme 2023. Collection method: clinical testing. Allele origin: germline.

All of Us Research Program, National Institutes of Health
Classification: Likely benign for Loeys-Dietz syndrome 2. Last evaluated: 2024-05-14. Review status: criteria provided, single submitter. Criteria: ACMG Guidelines, 2015. Collection method: clinical testing. Allele origin: germline. Inheritance: Autosomal dominant inheritance. Observed: 2 variant alleles, 2 heterozygotes.
Comment: This study involves interpretation of variants in research participants for the purpose of population health screening. Participant phenotype was not available at the time of variant classification. Additional details can be found in publication PMID: 35346344, PMCID: PMC8962531